The following is an entry in ClinVar:

ClinVar aggregate classification (germline): Uncertain significance (1 of 4 stars; one submission).

Conditions:
Cardiovascular phenotype. Identifiers: MedGen CN230736.

Allele frequency attached by ClinVar (database versions not stated): TOPMed below 0.00001.
gnomAD v4.1: 1 of 1,614,136 alleles (0.000062%); highest among the groups gnomAD compares: Non-Finnish European, 0.000085%; no homozygotes.

Submission:

Ambry Genetics
Classification: Uncertain significance for Cardiovascular phenotype. Last evaluated: 2020-10-29. Review status: criteria provided, single submitter. Criteria: Ambry Variant Classification Scheme 2023. Collection method: clinical testing. Allele origin: germline.
Comment: The p.I15V variant (also known as c.43A>G), located in coding exon 1 of the CACNB2 gene, results from an A to G substitution at nucleotide position 43. The isoleucine at codon 15 is replaced by valine, an amino acid with highly similar properties. This amino acid position is not well conserved in available vertebrate species, and valine is the reference amino acid in other vertebrate species. In addition, this alteration is predicted to be tolerated by in silico analysis. Since supporting evidence is limited at this time, the clinical significance of this alteration remains unclear.

NM_201590.3(CACNB2):c.43A>G (p.Ile15Val)

Gene: CACNB2 (calcium voltage-gated channel auxiliary subunit beta 2; plus strand). Cytogenetic location: 10p12.32.
Variant type: single nucleotide variant.
Coding change: c.43A>G on transcript NM_201590.3 (MANE Plus Clinical); coding-DNA position 43, A replaced by G.
Protein change: p.Ile15Val; replaces isoleucine 15 with valine.
Molecular consequence: missense variant. On other transcripts: intron variant (8).
Genome position (GRCh38, 1-based): chr10:18,340,969, A>G. VCF-style: chr10-18340969-A-G. GRCh37 (hg19) VCF-style: chr10-18629898-A-G.
Other names: c.130-60955A>G (NM_201571.4, NM_001167945.2, NM_201572.4); c.214-60955A>G (NM_201596.3, NM_201593.3, NM_201597.3); c.49-60955A>G (NM_000724.4, NM_001330060.2); short protein forms I15V.
Identifiers: ClinVar variation 1740297 (VCV001740297.2), dbSNP rs2041210092, ClinGen allele CA376219189.